The following is an entry in ClinVar:

ClinVar aggregate classification (germline): Likely benign (0 of 4 stars; one submission).

Conditions:
TANC2-related disorder. Also called: TANC2-related condition.

Allele frequency attached by ClinVar (database versions not stated): TOPMed 0.00003; gnomAD 0.00004.
gnomAD v4.1: 51 of 1,557,878 alleles (0.0033%); highest among the groups gnomAD compares: Non-Finnish European, 0.0041%; no homozygotes.

Submission:

PreventionGenetics, part of Exact Sciences
Classification: Likely benign for TANC2-related condition. Last evaluated: 2019-10-28. Review status: no assertion criteria provided. Collection method: clinical testing. Allele origin: germline.
Comment: This variant is classified as likely benign based on ACMG/AMP sequence variant interpretation guidelines (Richards et al. 2015 PMID: 25741868, with internal and published modifications).

NM_001394998.1(TANC2):c.981A>G (p.Gln327=)

Gene: TANC2 (tetratricopeptide repeat, ankyrin repeat and coiled-coil containing 2; plus strand). Cytogenetic location: 17q23.3.
Variant type: single nucleotide variant.
Coding change: c.981A>G on transcript NM_001394998.1 (MANE Select); coding-DNA position 981, A replaced by G.
Protein change: p.Gln327=; no amino-acid change (glutamine 327 retained).
Molecular consequence: synonymous variant.
Genome position (GRCh38, 1-based): chr17:63,238,025, A>G. VCF-style: chr17-63238025-A-G. GRCh37 (hg19) VCF-style: chr17-61315386-A-G.
Other names: c.759A>G, p.Gln253= (NM_001411076.1, NM_025185.4).
Identifiers: ClinVar variation 3053666 (VCV003053666.2), dbSNP rs1415799490, ClinGen allele CA501314316.